The following is an entry in ClinVar:

ClinVar aggregate classification (germline): Pathogenic (1 of 4 stars; one submission).

Conditions:
Nephronophthisis-like nephropathy 1 (NPHPL1). Identifiers: Orphanet 655, MedGen C3150419, MONDO:0013163, OMIM 613159.

Submission:

Labcorp Genetics (formerly Invitae), Labcorp
Classification: Pathogenic for Nephronophthisis-like nephropathy 1. Last evaluated: 2021-12-15. Review status: criteria provided, single submitter. Criteria: Invitae Variant Classification Sherloc (09022015). Collection method: clinical testing. Allele origin: germline.
Comment: This variant is a gross deletion of the genomic region encompassing exon(s) 4 of the XPNPEP3 gene. This deletion is out-of-frame, and is expected to create a premature termination codon and result in an absent or disrupted protein product. Loss-of-function variants in XPNPEP3 are known to be pathogenic (PMID: 20179356). This variant has not been reported in the literature in individuals affected with XPNPEP3-related conditions. For these reasons, this variant has been classified as Pathogenic.

Literature cited by the submitters: PubMed 20179356.

NC_000022.10:g.(?_41282297)_(41282539_?)del

Gene: XPNPEP3 (X-prolyl aminopeptidase 3; plus strand). Cytogenetic location: 22q13.2.
Variant type: Deletion.
Identifiers: ClinVar variation 2426715 (VCV002426715.4).